The following is an entry in ClinVar:

NM_007294.4(BRCA1):c.2335A>C (p.Thr779Pro)

Gene: BRCA1 (BRCA1 DNA repair associated; minus strand). Cytogenetic location: 17q21.31.
Variant type: single nucleotide variant.
Coding change: c.2335A>C on transcript NM_007294.4 (MANE Select); coding-DNA position 2335, A replaced by C.
Protein change: p.Thr779Pro; replaces threonine 779 with proline.
Molecular consequence: missense variant. On other transcripts: intron variant (137).
Genome position (GRCh38, 1-based): chr17:43,093,196, T>G on the plus strand (A>C on the coding strand, the complement: BRCA1 is on the minus strand). VCF-style: chr17-43093196-T-G. GRCh37 (hg19) VCF-style: chr17-41245213-T-G.
Other names: c.586+1548A>C (NM_001408476.1, NM_001408474.1); c.709+1548A>C (NM_001408409.1, NM_001408414.1, NM_001408411.1 and 2 more transcripts); c.574+1548A>C (NM_001408493.1, NM_001408490.1, NM_001408491.1); c.454+1548A>C (NM_001408502.1); c.577+1548A>C (NM_001408489.1, NM_001408479.1, NM_001408482.1 and 9 more transcripts); c.661+1548A>C (NM_001408445.1, NM_001408432.1, NM_001408450.1 and 6 more transcripts); c.668-2164A>C (NM_001408431.1, NM_001408424.1, NM_001408421.1); c.784+1548A>C (NM_001408407.1, NM_001408402.1, NM_001408473.1 and 13 more transcripts); and 41 more; short protein forms T732P, T779P, T611P, T691P, T731P, T776P, T667P, T712P.
Identifiers: ClinVar variation 1330114 (VCV001330114.4), dbSNP rs1348270931, ClinGen allele CA10597336.

ClinVar aggregate classification (germline): Conflicting classifications of pathogenicity. Review status: criteria provided, conflicting classifications (1 of 4 stars). 2 submissions from 2 submitters: Uncertain significance (1); Likely benign (1). Last evaluated 2023-03-23.

Conditions:
Hereditary cancer-predisposing syndrome. Also called: Hereditary Cancer Syndrome; Tumor predisposition; Neoplastic Syndromes, Hereditary; Hereditary neoplastic syndrome. Identifiers: Orphanet 140162, MedGen C0027672, MeSH D009386, MONDO:0015356.

Allele frequency attached by ClinVar (database versions not stated): gnomAD exomes below 0.00001.
gnomAD v4.1: 1 of 1,613,858 alleles (0.000062%); highest among the groups gnomAD compares: South Asian, 0.0011%; no homozygotes.

Submissions (2):

University of Washington Department of Laboratory Medicine, University of Washington
Classification: Likely benign for Hereditary cancer-predisposing syndrome. Last evaluated: 2023-03-23. Review status: criteria provided, single submitter. Criteria: Dines et al. (Genet Med. 2020). Collection method: curation. Allele origin: germline.
Comment: Missense variant in a coldspot region where missense variants are very unlikely to be pathogenic (PMID:31911673).

BRCA1 coldspot (exon 11 using historical exon numbering). Reclassification based on statistical prior probability

Quest Diagnostics Nichols Institute San Juan Capistrano
Classification: Uncertain significance. Last evaluated: 2021-05-21. Review status: criteria provided, single submitter. Criteria: Quest Diagnostics criteria. Collection method: clinical testing. Allele origin: unknown.